The following is an entry in ClinVar:

ClinVar aggregate classification (germline): Uncertain significance (1 of 4 stars; one submission).

Allele frequency attached by ClinVar (database versions not stated): gnomAD exomes below 0.00001; gnomAD 0.00001.
gnomAD v4.1: 4 of 1,613,928 alleles (0.00025%); highest among the groups gnomAD compares: Non-Finnish European, 0.00017%; no homozygotes.

Submission:

Labcorp Genetics (formerly Invitae), Labcorp
Classification: Uncertain significance. Last evaluated: 2023-11-25. Review status: criteria provided, single submitter. Criteria: Invitae Variant Classification Sherloc (09022015). Collection method: clinical testing. Allele origin: germline.
Comment: This sequence change replaces asparagine, which is neutral and polar, with lysine, which is basic and polar, at codon 67 of the RNF31 protein (p.Asn67Lys). This variant is not present in population databases (gnomAD no frequency). This variant has not been reported in the literature in individuals affected with RNF31-related conditions. ClinVar contains an entry for this variant (Variation ID: 1386153). An algorithm developed to predict the effect of missense changes on protein structure and function (PolyPhen-2) suggests that this variant is likely to be tolerated. In summary, the available evidence is currently insufficient to determine the role of this variant in disease. Therefore, it has been classified as a Variant of Uncertain Significance.

NM_017999.5(RNF31):c.201C>G (p.Asn67Lys)

Gene: RNF31 (ring finger protein 31; plus strand). Cytogenetic location: 14q12.
Variant type: single nucleotide variant.
Coding change: c.201C>G on transcript NM_017999.5 (MANE Select); coding-DNA position 201, C replaced by G.
Protein change: p.Asn67Lys; replaces asparagine 67 with lysine.
Molecular consequence: missense variant. On other transcripts: 5 prime UTR variant (1).
Genome position (GRCh38, 1-based): chr14:24,147,984, C>G. VCF-style: chr14-24147984-C-G. GRCh37 (hg19) VCF-style: chr14-24617193-C-G.
Other names: c.-317C>G (NM_001310332.2); short protein forms N67K.
Identifiers: ClinVar variation 1386153 (VCV001386153.8), dbSNP rs2038197096, ClinGen allele CA389285073.
Genomic context (GRCh38, chr14:24,147,984, plus strand): 5'-AGGGCCTGAGGCCCAGGCCACGCTCACACCTCTCTGCTCTCCTTGCTCCCAGCCCCGAAA[C>G]TACCTCAACACCCTGTCCACGGCTCTGAACATCCTGGAGAAATACGGCCGCAACCTTCTC-3'
Protein context (NP_060469.4, residues 57-77): VRCNAHGEPR[Asn67Lys]YLNTLSTALN